The following is an entry in ClinVar:

NM_001040716.2(PC):c.*15G>A

Gene: PC (pyruvate carboxylase; minus strand). Cytogenetic location: 11q13.2.
Variant type: single nucleotide variant.
Coding change: c.*15G>A on transcript NM_001040716.2 (MANE Select); 15 bases downstream of the stop codon, G replaced by A.
Molecular consequence: 3 prime UTR variant.
Genome position (GRCh38, 1-based): chr11:66,848,884, C>T on the plus strand (G>A on the coding strand, the complement: PC is on the minus strand). VCF-style: chr11-66848884-C-T. GRCh37 (hg19) VCF-style: chr11-66616355-C-T.
Other names: c.*15G>A (NM_000920.4, NM_022172.3).
Identifiers: ClinVar variation 305614 (VCV000305614.5), dbSNP rs45501894, ClinGen allele CA6130758.

ClinVar aggregate classification (germline): Conflicting classifications of pathogenicity. Review status: criteria provided, conflicting classifications (1 of 4 stars). 2 submissions from 2 submitters: Uncertain significance (1); Likely benign (1). Last evaluated 2018-01-12.

Conditions:
Pyruvate carboxylase deficiency. Also called: ATAXIA WITH LACTIC ACIDOSIS II; LEIGH NECROTIZING ENCEPHALOPATHY DUE TO PYRUVATE CARBOXYLASE DEFICIENCY; LEIGH SYNDROME DUE TO PYRUVATE CARBOXYLASE DEFICIENCY; PC DEFICIENCY; Pyruvate Carboxylase Deficiency Disease. Identifiers: Orphanet 3008, MedGen C0034341, MONDO:0009949, OMIM 266150.

Allele frequency attached by ClinVar (database versions not stated): gnomAD exomes 0.00006 and 0.00012; ExAC 0.00014; gnomAD 0.00027 and 0.00028; TOPMed 0.00033; ESP Exome Variant Server 0.00046.
gnomAD v4.1: 139 of 1,613,394 alleles (0.0086%); highest among the groups gnomAD compares: African/African-American, 0.065%; 1 homozygote.

Submissions (2):

Illumina Laboratory Services, Illumina
Classification: Uncertain significance for Pyruvate carboxylase deficiency. Last evaluated: 2018-01-12. Review status: criteria provided, single submitter. Criteria: ICSL Variant Classification Criteria 13 December 2019. Collection method: clinical testing. Allele origin: germline.

GeneDx
Classification: Likely benign. Last evaluated: 2016-08-30. Review status: criteria provided, single submitter. Criteria: GeneDx Variant Classification (06012015). Collection method: clinical testing. Allele origin: germline. Affected: yes.
Comment: This variant is considered likely benign or benign based on one or more of the following criteria: it is a conservative change, it occurs at a poorly conserved position in the protein, it is predicted to be benign by multiple in silico algorithms, and/or has population frequency not consistent with disease.